The following is an entry in ClinVar:

NM_032444.4(SLX4):c.2093A>C (p.Asp698Ala)

Gene: SLX4 (SLX4 structure-specific endonuclease subunit; minus strand). Cytogenetic location: 16p13.3.
Variant type: single nucleotide variant.
Coding change: c.2093A>C on transcript NM_032444.4 (MANE Select); coding-DNA position 2093, A replaced by C.
Protein change: p.Asp698Ala; replaces aspartic acid 698 with alanine.
Molecular consequence: missense variant.
Genome position (GRCh38, 1-based): chr16:3,594,520, T>G on the plus strand (A>C on the coding strand, the complement: SLX4 is on the minus strand). VCF-style: chr16-3594520-T-G. GRCh37 (hg19) VCF-style: chr16-3644521-T-G.
Other names: short protein forms D698A.
Identifiers: ClinVar variation 2041043 (VCV002041043.4), dbSNP rs756288683, ClinGen allele CA7866295.

ClinVar aggregate classification (germline): Uncertain significance. Review status: criteria provided, multiple submitters, no conflicts (2 of 4 stars). 2 submissions from 2 submitters: Uncertain significance (2). Last evaluated 2025-07-03.

Conditions:
Inborn genetic diseases. Identifiers: MedGen C0950123, MeSH D030342.
Fanconi anemia (FA). Also called: Fanconi's anemia. Identifiers: Orphanet 84, MedGen C0015625, MeSH D005199, MONDO:0019391.

Allele frequency attached by ClinVar (database versions not stated): gnomAD exomes below 0.00001; ExAC 0.00001; TOPMed 0.00001.
gnomAD v4.1: 6 of 1,614,118 alleles (0.00037%); highest among the groups gnomAD compares: Admixed American, 0.0083%; no homozygotes.

Submissions (2):

Ambry Genetics
Classification: Uncertain significance for Inborn genetic diseases. Last evaluated: 2025-07-03. Review status: criteria provided, single submitter. Criteria: Ambry Variant Classification Scheme 2023. Collection method: clinical testing. Allele origin: germline.

Labcorp Genetics (formerly Invitae), Labcorp
Classification: Uncertain significance for Fanconi anemia. Last evaluated: 2024-10-16. Review status: criteria provided, single submitter. Criteria: Invitae Variant Classification Sherloc (09022015). Collection method: clinical testing. Allele origin: germline.
Comment: This sequence change replaces aspartic acid, which is acidic and polar, with alanine, which is neutral and non-polar, at codon 698 of the SLX4 protein (p.Asp698Ala). This variant is present in population databases (rs756288683, gnomAD 0.01%). This variant has not been reported in the literature in individuals affected with SLX4-related conditions. ClinVar contains an entry for this variant (Variation ID: 2041043). An algorithm developed to predict the effect of missense changes on protein structure and function (PolyPhen-2) suggests that this variant is likely to be disruptive. In summary, the available evidence is currently insufficient to determine the role of this variant in disease. Therefore, it has been classified as a Variant of Uncertain Significance.